The following is an entry in ClinVar:

ClinVar aggregate classification (germline): Uncertain significance (1 of 4 stars; one submission).

Conditions:
Ullrich congenital muscular dystrophy 2 (UCMD2). Identifiers: Orphanet 75840, MedGen C4225314, MONDO:0014654, OMIM 616470.
Bethlem myopathy 2 (BTHLM2). Identifiers: Orphanet 536516, Orphanet 610, MedGen C4225313, MONDO:0034022, OMIM 616471.

Allele frequency attached by ClinVar (database versions not stated): ESP Exome Variant Server 0.00008.
gnomAD v4.1: 4 of 1,609,972 alleles (0.00025%); highest among the groups gnomAD compares: Non-Finnish European, 0.00034%; no homozygotes.

Submission:

Labcorp Genetics (formerly Invitae), Labcorp
Classification: Uncertain significance for Bethlem myopathy 2; Ullrich congenital muscular dystrophy 2. Last evaluated: 2024-03-25. Review status: criteria provided, single submitter. Criteria: Invitae Variant Classification Sherloc (09022015). Collection method: clinical testing. Allele origin: germline.
Comment: This sequence change replaces threonine, which is neutral and polar, with arginine, which is basic and polar, at codon 58 of the COL12A1 protein (p.Thr58Arg). This variant is present in population databases (rs140583215, gnomAD 0.0009%). This variant has not been reported in the literature in individuals affected with COL12A1-related conditions. Advanced modeling of protein sequence and biophysical properties (such as structural, functional, and spatial information, amino acid conservation, physicochemical variation, residue mobility, and thermodynamic stability) performed at Invitae indicates that this missense variant is not expected to disrupt COL12A1 protein function with a negative predictive value of 80%. In summary, the available evidence is currently insufficient to determine the role of this variant in disease. Therefore, it has been classified as a Variant of Uncertain Significance.

NM_004370.6(COL12A1):c.173C>G (p.Thr58Arg)

Gene: COL12A1 (collagen type XII alpha 1 chain; minus strand). Cytogenetic location: 6q13.
Variant type: single nucleotide variant.
Coding change: c.173C>G on transcript NM_004370.6 (MANE Select); coding-DNA position 173, C replaced by G.
Protein change: p.Thr58Arg; replaces threonine 58 with arginine.
Molecular consequence: missense variant. On other transcripts: intron variant (2).
Genome position (GRCh38, 1-based): chr6:75,194,848, G>C on the plus strand (C>G on the coding strand, the complement: COL12A1 is on the minus strand). VCF-style: chr6-75194848-G-C. GRCh37 (hg19) VCF-style: chr6-75904564-G-C.
Other names: c.173C>G, p.Thr58Arg (NM_001424113.1, NM_001424114.1, NM_001424115.1); c.73+7872C>G (NM_001424116.1, NM_080645.3); short protein forms T58R.
Identifiers: ClinVar variation 2937677 (VCV002937677.3), dbSNP rs140583215, ClinGen allele CA3894501.